The following is an entry in ClinVar:

NM_000088.4(COL1A1):c.3261+1G>A

Gene: COL1A1 (collagen type I alpha 1 chain; minus strand). Cytogenetic location: 17q21.33.
Variant type: single nucleotide variant.
Coding change: c.3261+1G>A on transcript NM_000088.4 (MANE Select); the canonical splice donor site of the intron after coding-DNA position 3261, G replaced by A.
Molecular consequence: splice donor variant.
Genome position (GRCh38, 1-based): chr17:50,188,095, C>T on the plus strand (G>A on the coding strand, the complement: COL1A1 is on the minus strand). VCF-style: chr17-50188095-C-T. GRCh37 (hg19) VCF-style: chr17-48265456-C-T.
Identifiers: ClinVar variation 1211288 (VCV001211288.5), dbSNP rs2144543339, ClinGen allele CA400200005.

ClinVar aggregate classification (germline): Pathogenic/Likely pathogenic. Review status: criteria provided, multiple submitters, no conflicts (2 of 4 stars). 2 submissions from 2 submitters: Pathogenic (1); Likely pathogenic (1). Last evaluated 2024-09-26.

Conditions:
Osteogenesis imperfecta, perinatal lethal (OI2). Also called: Osteogenesis imperfecta, dominant perinatal lethal; OSTEOGENESIS IMPERFECTA, TYPE II; VROLIK TYPE OF OSTEOGENESIS IMPERFECTA; OI, TYPE II; OSTEOGENESIS IMPERFECTA CONGENITA; Osteogenesis imperfecta type 2. Identifiers: Orphanet 216804, MedGen C0268358, MONDO:0008147, OMIM 166210.

Submissions (2):

GeneDx
Classification: Pathogenic. Last evaluated: 2024-09-26. Review status: criteria provided, single submitter. Criteria: GeneDx Variant Classification Process June 2021. Collection method: clinical testing. Allele origin: germline. Affected: yes.
Comment: Damages or destroys the splice donor site in intron 44, and is expected to cause abnormal gene splicing; if the splice outcome is exon skip, the loss of the encoded residues in the triple helical region is expected to disrupt normal protein folding and function, and this is an established mechanism of disease (HGMD); Not observed at significant frequency in large population cohorts (gnomAD); This variant is associated with the following publications: (PMID: 25525159, 18996919)

MGZ Medical Genetics Center
Classification: Likely pathogenic for Osteogenesis imperfecta, perinatal lethal. Last evaluated: 2022-01-17. Review status: criteria provided, single submitter. Criteria: ACMG Guidelines, 2015. Collection method: clinical testing. Allele origin: germline. Affected: yes. Observed: 1 variant allele.
Comment: ACMG criteria applied: PVS1_STR, PS4_SUP, PM2_SUP, PP4